The following is an entry in ClinVar:

ClinVar aggregate classification (germline): Uncertain significance (1 of 4 stars; one submission).

Conditions:
H19-related disorder. Also called: H19-related condition.

Submission:

PreventionGenetics, part of Exact Sciences
Classification: Uncertain significance for H19-related condition. Last evaluated: 2026-01-15. Review status: criteria provided, single submitter. Criteria: ACMG Guidelines, 2015. Collection method: clinical testing. Allele origin: germline.
Comment: The H19 n.-2419C>T variant is predicted to interfere with splicing. This variant resides in the 5' promoter of H19. To our knowledge, this variant has not been reported in the literature. This variant is reported in 0.12% of alleles in individuals of Latino descent in gnomAD, which may be too frequent to be a primary cause of disease. H19 promoter variants have been associated with Silver-Russel syndrome and Beckwith-Wiedemann syndrome (see for example, Demars et al. 2010. PubMed ID: 20007505); however, no examples occur in the immediate vicinity of this variant. Although we suspect that this variant may be benign, at this time, the clinical significance of this variant is uncertain due to the absence of conclusive functional and genetic evidence.

NC_000011.10:g.2000294G>A

Genes: H19 (H19 imprinted maternally expressed transcript; minus strand), H19-ICR (H19/IGF2 imprinting control region; plus strand), MRPL23 (mitochondrial ribosomal protein L23; plus strand). Cytogenetic location: 11p15.5.
Variant type: single nucleotide variant.
Molecular consequence: intron variant (on NM_001400176.1).
Genome position: GRCh38 VCF-style: chr11-2000294-G-A. GRCh37 (hg19) VCF-style: chr11-2021524-G-A.
Other names: c.498-11247G>A (NM_001400176.1).
Identifiers: ClinVar variation 4985632 (VCV004985632.1).